The following is an entry in ClinVar:

NM_000875.5(IGF1R):c.*6329G>A

Gene: IGF1R (insulin like growth factor 1 receptor; plus strand). Cytogenetic location: 15q26.3.
Variant type: single nucleotide variant.
Coding change: c.*6329G>A on transcript NM_000875.5 (MANE Select); 6329 bases downstream of the stop codon, G replaced by A.
Molecular consequence: 3 prime UTR variant.
Genome position (GRCh38, 1-based): chr15:98,963,771, G>A. VCF-style: chr15-98963771-G-A. GRCh37 (hg19) VCF-style: chr15-99507000-G-A.
Other names: c.*6329G>A (NM_001291858.2).
Identifiers: ClinVar variation 888534 (VCV000888534.4), dbSNP rs142414820, ClinGen allele CA275342088.

ClinVar aggregate classification (germline): Likely benign (1 of 4 stars; one submission).

Conditions:
Growth delay due to insulin-like growth factor I resistance. Also called: Somatomedin end-organ insensitivity to; Somatomedin-c resistance to; IGF-1 resistance; IGF-I RESISTANCE; Insulin-Like Growth Factor I Resistance. Identifiers: Orphanet 73273, MedGen C1849157, MONDO:0010038, OMIM 270450.

Allele frequency attached by ClinVar (database versions not stated): 1000 Genomes Project 0.00439; 1000 Genomes Project 30x 0.00531; gnomAD 0.00832 and 0.00852; gnomAD exomes 0.01127.
gnomAD v4.1: 2,180 of 233,030 alleles (0.94%); highest among the groups gnomAD compares: Non-Finnish European, 1.3%; 15 homozygotes.

Submission:

Illumina Laboratory Services, Illumina
Classification: Likely benign for Growth delay due to insulin-like growth factor I resistance. Last evaluated: 2018-01-13. Review status: criteria provided, single submitter. Criteria: ICSL Variant Classification Criteria 13 December 2019. Collection method: clinical testing. Allele origin: germline.
Comment: This variant was observed in the ICSL laboratory as part of a predisposition screen in an ostensibly healthy population. It had not been previously curated by ICSL or reported in the Human Gene Mutation Database (HGMD: prior to June 1st, 2018), and was therefore a candidate for classification through an automated scoring system. Utilizing variant allele frequency, disease prevalence and penetrance estimates, and inheritance mode, an automated score was calculated to assess if this variant is too frequent to cause the disease. Based on the score and internal cut-off values, a variant classified as likely benign is not then subjected to further curation. The score for this variant resulted in a classification of likely benign for this disease.